The following is an entry in ClinVar:

NM_001378414.1(HDAC4):c.1167C>T (p.Pro389=)

Gene: HDAC4 (histone deacetylase 4; minus strand). Cytogenetic location: 2q37.3.
Variant type: single nucleotide variant.
Coding change: c.1167C>T on transcript NM_001378414.1 (MANE Select); coding-DNA position 1167, C replaced by T.
Protein change: p.Pro389=; no amino-acid change (proline 389 retained).
Molecular consequence: synonymous variant.
Genome position (GRCh38, 1-based): chr2:239,134,372, G>A on the plus strand (C>T on the coding strand, the complement: HDAC4 is on the minus strand). VCF-style: chr2-239134372-G-A. GRCh37 (hg19) VCF-style: chr2-240056068-G-A.
Other names: c.1167C>T, p.Pro389= (NM_001378415.1, NM_001378416.1, NM_001378417.1 and 1 more transcripts).
Identifiers: ClinVar variation 2652076 (VCV002652076.24), dbSNP rs201601143, ClinGen allele CA2199888.

ClinVar aggregate classification (germline): Likely benign (1 of 4 stars; one submission).

Allele frequency attached by ClinVar (database versions not stated): TOPMed below 0.00001; gnomAD 0.00001; ExAC 0.00002.
gnomAD v4.1: 27 of 1,613,760 alleles (0.0017%); highest among the groups gnomAD compares: South Asian, 0.0033%; no homozygotes.

Submission:

CeGaT Center for Human Genetics Tuebingen
Classification: Likely benign. Last evaluated: 2022-11-01. Review status: criteria provided, single submitter. Criteria: CeGaT Center For Human Genetics Tuebingen Variant Classification Criteria Version 2. Collection method: clinical testing. Allele origin: germline. Affected: yes. Observed: 1 variant allele.
Comment: HDAC4: BP4, BP7